The following is an entry in ClinVar:

NM_000540.3(RYR1):c.7816T>A (p.Cys2606Ser)

Gene: RYR1 (ryanodine receptor 1; plus strand). Cytogenetic location: 19q13.2.
Variant type: single nucleotide variant.
Coding change: c.7816T>A on transcript NM_000540.3 (MANE Select); coding-DNA position 7816, T replaced by A.
Protein change: p.Cys2606Ser; replaces cysteine 2606 with serine.
Molecular consequence: missense variant.
Genome position (GRCh38, 1-based): chr19:38,502,708, T>A. VCF-style: chr19-38502708-T-A. GRCh37 (hg19) VCF-style: chr19-38993348-T-A.
Other names: NM_000540.3(RYR1):c.7816T>A; p.(Cys2606Ser); c.7816T>A, p.Cys2606Ser (NM_001042723.2); short protein forms C2606S.
Identifiers: ClinVar variation 1330357 (VCV001330357.1), dbSNP rs748575133, ClinGen allele CA070340.
Genomic context (GRCh38, chr19:38,502,708, plus strand): 5'-GTGTACCGCCTGTCTCGGGGTCGTTCGCTCACCAAGGCGCAGCGTGACGTCATCGAGGAC[T>A]GCCTCATGTCGCTCTGCAGGTGGAGCGGGGCAGGCTTCAGGGTGGGGCAGGGGCAGGGGC-3'
Protein context (NP_000531.2, residues 2596-2616): TKAQRDVIED[Cys2606Ser]LMSLCRYIRP

ClinVar aggregate classification (germline): Likely benign (3 of 4 stars; one submission).

Conditions:
Malignant hyperthermia of anesthesia. Also called: Anesthesic-triggered malignant hyperthermia. Identifiers: Orphanet 423, MedGen C0024591, MONDO:0018493, HP:0034733.

Allele frequency attached by ClinVar (database versions not stated): gnomAD exomes below 0.00001 and 0.00002; ExAC 0.00001.
gnomAD v4.1: 28 of 1,571,832 alleles (0.0018%); highest among the groups gnomAD compares: Non-Finnish European, 0.0024%; no homozygotes.

Submission:

ClinGen Malignant Hyperthermia Susceptibility Variant Curation Expert Panel, ClinGen
Classification: Likely benign for Malignant hyperthermia of anesthesia. Last evaluated: 2021-12-21. Review status: reviewed by expert panel. Criteria: ClinGen MHS ACMG Specifications V1. Collection method: curation. Allele origin: germline. Inheritance: Autosomal dominant inheritance.
Comment: This pathogenicity assessment is relevant only for malignant hyperthermia susceptibility (MHS) inherited in an autosomal dominant pattern. Variants in RYR1 can also cause other myopathies inherited in an autosomal dominant pattern or in an autosomal recessive pattern. Some of these disorders may predispose individuals to malignant hyperthermia. RYR1 variants may also contribute to a malignant hyperthermia reaction in combination with other genetic and non-genetic factors and the clinician needs to consider such factors in making management decisions. This sequence variant predicts a substitution of cysteine with serine at codon 2606 of the RYR1 protein, p.(Cys2606Ser). The maximum allele frequency for this variant among the six major gnomAD populations is NFE: 0.000009, a frequency consistent with pathogenicity for MHS. This variant has been reported in an individual with a personal or family history of an MH episode and a positive in vitro contracture test (IVCT) or caffeine halothane contracture test (CHCT) result (if the proband was unavailable for testing, a positive diagnostic test result in a mutation-positive relative was counted), however, this individual had a second variant of uncertain significance in RYR1, p.(Ala1372Val), PS4 was no implemented (PMID:30236257). This variant has been identified in four related individuals with negative IVCT results, BS2_Moderate (PMID:30236257). Functional studies identified for this variant did not fulfill PS3 as defined by the MHS-RYR1 VCEP (PMID:21603587). This variant does not reside in a hotspot for pathogenic variants that contribute to MHS. A REVEL score of 0.818 supports neither a pathogenic nor a benign status for this variant. Based on using Bayes to combine criteria this variant is assessed as Likely Benign, (PMID: 29300386). Criteria implemented: BS2_Moderate.